The following is an entry in ClinVar:

GRCh37/hg19 12q24.31(chr12:121970346-122287290)x1

Genes: HPD (4-hydroxyphenylpyruvate dioxygenase; minus strand), KDM2B (lysine demethylase 2B; minus strand), MORN3 (MORN repeat containing 3; minus strand), ORAI1 (ORAI calcium release-activated calcium modulator 1; plus strand), RHOF (ras homolog family member F, filopodia associated; minus strand) and 2 more. Cytogenetic location: 12q24.31.
Variant type: copy number loss.
Change: copy number 1 (one copy instead of two) of chr12:121,970,346-122,287,290 (316.9 kb, GRCh37 coordinates, 1-based), cytogenetic band 12q24.31.
Identifiers: ClinVar variation 1340538 (VCV001340538.2).

ClinVar aggregate classification (germline): Pathogenic (1 of 4 stars; one submission).

Submission:

Quest Diagnostics Nichols Institute San Juan Capistrano
Classification: Pathogenic. Last evaluated: 2026-06-05. Review status: criteria provided, single submitter. Criteria: ACMG/ClinGen CNV Guidelines, 2019. Collection method: clinical testing. Allele origin: unknown.
Comment: This copy number loss involves SETD1B (OMIM 611055). Haploinsufficiency of SETD1B is associated with autosomal dominant intellectual developmental disorder with seizures and language delay (OMIM 619000, ISCA-5969), also known as SETD1B-related neurodevelopmental disorder (Roston 2025). Heterozygous deletions similar to and overlapping with the recurrent interval have been reported in individuals with features of SETD1B-related neurodevelopmental disorder (Krzyzewska 2019, Labonne 2016). Thus, based on current medical literature this copy number variant (CNV) is classified as pathogenic.

Literature cited by the submitters: PubMed 31685013; PubMed 27106595; PubMed 36173874.